The following is an entry in ClinVar:

NM_004341.5(CAD):c.2773A>G (p.Thr925Ala)

Genes: CAD (carbamoyl-phosphate synthetase 2, aspartate transcarbamylase, and dihydroorotase; plus strand), LOC126806171 (BRD4-independent group 4 enhancer GRCh37_chr2:27454350-27455549; plus strand). Cytogenetic location: 2p23.3.
Variant type: single nucleotide variant.
Coding change: c.2773A>G on transcript NM_004341.5 (MANE Select); coding-DNA position 2773, A replaced by G.
Protein change: p.Thr925Ala; replaces threonine 925 with alanine.
Molecular consequence: missense variant.
Genome position (GRCh38, 1-based): chr2:27,232,575, A>G. VCF-style: chr2-27232575-A-G. GRCh37 (hg19) VCF-style: chr2-27455443-A-G.
Other names: c.2584A>G, p.Thr862Ala (NM_001306079.2); short protein forms T925A, T862A.
Identifiers: ClinVar variation 451193 (VCV000451193.5), dbSNP rs949054958, ClinGen allele CA44507587.

ClinVar aggregate classification (germline): Uncertain significance. Review status: criteria provided, multiple submitters, no conflicts (2 of 4 stars). 3 submissions from 3 submitters: Uncertain significance (3). Last evaluated 2026-09-10.

Conditions:
Inborn genetic diseases. Identifiers: MedGen C0950123, MeSH D030342.

Allele frequency attached by ClinVar (database versions not stated): gnomAD exomes below 0.00001; TOPMed 0.00001.
gnomAD v4.1: 2 of 1,614,080 alleles (0.00012%); highest among the groups gnomAD compares: Admixed American, 0.0017%; no homozygotes.

Submissions (3):

Ambry Genetics
Classification: Uncertain significance for Inborn genetic diseases. Last evaluated: 2026-09-10. Review status: criteria provided, single submitter. Criteria: Ambry Variant Classification Scheme 2023. Collection method: clinical testing. Allele origin: germline.

Labcorp Genetics (formerly Invitae), Labcorp
Classification: Uncertain significance. Last evaluated: 2025-04-28. Review status: criteria provided, single submitter. Criteria: Invitae Variant Classification Sherloc (09022015). Collection method: clinical testing. Allele origin: germline.
Comment: This sequence change replaces threonine, which is neutral and polar, with alanine, which is neutral and non-polar, at codon 925 of the CAD protein (p.Thr925Ala). This variant is not present in population databases (gnomAD no frequency). This variant has not been reported in the literature in individuals affected with CAD-related conditions. ClinVar contains an entry for this variant (Variation ID: 451193). Invitae Evidence Modeling of protein sequence and biophysical properties (such as structural, functional, and spatial information, amino acid conservation, physicochemical variation, residue mobility, and thermodynamic stability) indicates that this missense variant is not expected to disrupt CAD protein function with a negative predictive value of 80%. In summary, the available evidence is currently insufficient to determine the role of this variant in disease. Therefore, it has been classified as a Variant of Uncertain Significance.

GeneDx
Classification: Uncertain significance. Last evaluated: 2017-08-09. Review status: criteria provided, single submitter. Criteria: GeneDx Variant Classification (06012015). Collection method: clinical testing. Allele origin: germline. Affected: yes.
Comment: The T925A variant in the CAD gene has not been reported previously as a pathogenic variant, nor as a benign variant, to our knowledge. The T925A variant is not observed in large population cohorts (Lek et al., 2016; 1000 Genomes Consortium et al., 2015; Exome Variant Server). The T925A variant is a non-conservative amino acid substitution, which is likely to impact secondary protein structure as these residues differ in polarity, charge, size and/or other properties. This substitution occurs at a position that is not conserved across species. In silico analysis is inconsistent in its predictions as to whether or not the variant is damaging to the protein structure/function. We interpret T925A as a variant of uncertain significance.